The following is an entry in ClinVar:

NM_001457.4(FLNB):c.6836C>T (p.Pro2279Leu)

Gene: FLNB (filamin B; plus strand). Cytogenetic location: 3p14.3.
Variant type: single nucleotide variant.
Coding change: c.6836C>T on transcript NM_001457.4 (MANE Select); coding-DNA position 6836, C replaced by T.
Protein change: p.Pro2279Leu; replaces proline 2279 with leucine.
Molecular consequence: missense variant.
Genome position (GRCh38, 1-based): chr3:58,156,023, C>T. VCF-style: chr3-58156023-C-T. GRCh37 (hg19) VCF-style: chr3-58141750-C-T.
Other names: c.6929C>T, p.Pro2310Leu (NM_001164317.2); c.6803C>T, p.Pro2268Leu (NM_001164318.2); c.6764C>T, p.Pro2255Leu (NM_001164319.2); short protein forms P2310L, P2268L, P2255L, P2279L.
Identifiers: ClinVar variation 2992709 (VCV002992709.3), dbSNP rs937831006, ClinGen allele CA353362132.

ClinVar aggregate classification (germline): Uncertain significance (1 of 4 stars; one submission).

Allele frequency attached by ClinVar (database versions not stated): TOPMed below 0.00001; gnomAD exomes 0.00001.
gnomAD v4.1: 11 of 1,614,100 alleles (0.00068%); highest among the groups gnomAD compares: African/African-American, 0.0013%; no homozygotes.

Submission:

Labcorp Genetics (formerly Invitae), Labcorp
Classification: Uncertain significance. Last evaluated: 2025-09-29. Review status: criteria provided, single submitter. Criteria: Invitae Variant Classification Sherloc (09022015). Collection method: clinical testing. Allele origin: germline.
Comment: This sequence change replaces proline, which is neutral and non-polar, with leucine, which is neutral and non-polar, at codon 2279 of the FLNB protein (p.Pro2279Leu). This variant is present in population databases (no rsID available, gnomAD 0.0009%). This variant has not been reported in the literature in individuals affected with FLNB-related conditions. ClinVar contains an entry for this variant (Variation ID: 2992709). Invitae Evidence Modeling of protein sequence and biophysical properties (such as structural, functional, and spatial information, amino acid conservation, physicochemical variation, residue mobility, and thermodynamic stability) indicates that this missense variant is not expected to disrupt FLNB protein function with a negative predictive value of 95%. In summary, the available evidence is currently insufficient to determine the role of this variant in disease. Therefore, it has been classified as a Variant of Uncertain Significance.